The following is an entry in ClinVar:

ClinVar aggregate classification (germline): Uncertain significance (1 of 4 stars; one submission).

Conditions:
Agammaglobulinemia 7, autosomal recessive (AGM7). Also called: AGAMMAGLOBULINEMIA, AUTOSOMAL RECESSIVE, DUE TO PIK3R1 DEFECT. Identifiers: MedGen C3554689, MONDO:0014083, OMIM 615214.
Immunodeficiency 36 with lymphoproliferation. Also called: Immunodeficiency 36; ACTIVATED PI3K-DELTA SYNDROME 2; Activated PI3K Delta Syndrome Type 2 (APDS2). Identifiers: Orphanet 397596, Orphanet 693681, MedGen C4014934, MONDO:0014453, OMIM 616005.
SHORT syndrome. Also called: SHORT STATURE, HYPEREXTENSIBILITY, HERNIA, OCULAR DEPRESSION, RIEGER ANOMALY, AND TEETHING DELAY; LIPODYSTROPHY, PARTIAL, WITH RIEGER ANOMALY AND SHORT STATURE; PIK3R1-Related SHORT Syndrome. Identifiers: Orphanet 3163, MedGen C0878684, MONDO:0010026, OMIM 269880.

gnomAD v4.1: 10 of 1,613,982 alleles (0.00062%); highest among the groups gnomAD compares: Admixed American, 0.015%; no homozygotes.

Submission:

Labcorp Genetics (formerly Invitae), Labcorp
Classification: Uncertain significance for SHORT syndrome; Immunodeficiency 36 with lymphoproliferation; Agammaglobulinemia 7, autosomal recessive. Last evaluated: 2024-02-15. Review status: criteria provided, single submitter. Criteria: Invitae Variant Classification Sherloc (09022015). Collection method: clinical testing. Allele origin: germline.
Comment: This sequence change replaces isoleucine, which is neutral and non-polar, with asparagine, which is neutral and polar, at codon 133 of the PIK3R1 protein (p.Ile133Asn). This variant is present in population databases (no rsID available, gnomAD 0.02%). This variant has not been reported in the literature in individuals affected with PIK3R1-related conditions. An algorithm developed to predict the effect of missense changes on protein structure and function (PolyPhen-2) suggests that this variant is likely to be tolerated. Experimental studies are conflicting or provide insufficient evidence to determine the effect of this variant on PIK3R1 function (PMID: 26222500). In summary, the available evidence is currently insufficient to determine the role of this variant in disease. Therefore, it has been classified as a Variant of Uncertain Significance.

Literature cited by the submitters: PubMed 26222500.

NM_181523.3(PIK3R1):c.398T>A (p.Ile133Asn)

Gene: PIK3R1 (phosphoinositide-3-kinase regulatory subunit 1; plus strand). Cytogenetic location: 5q13.1.
Variant type: single nucleotide variant.
Coding change: c.398T>A on transcript NM_181523.3 (MANE Select); coding-DNA position 398, T replaced by A.
Protein change: p.Ile133Asn; replaces isoleucine 133 with asparagine.
Molecular consequence: missense variant.
Genome position (GRCh38, 1-based): chr5:68,273,453, T>A. VCF-style: chr5-68273453-T-A. GRCh37 (hg19) VCF-style: chr5-67569281-T-A.
Other names: short protein forms I133N.
Identifiers: ClinVar variation 3753171 (VCV003753171.2).
Genomic context (GRCh38, chr5:68,273,453, plus strand): 5'-TGACTCTCCCGGATCTTGCAGAGCAGTTTGCCCCTCCTGACATTGCCCCGCCTCTTCTTA[T>A]CAAGCTCGTGGAAGCCATTGAAAAGAAAGGTAACCAGACTGCTAGAGGGCATCAGTTCCT-3'
Protein context (NP_852664.1, residues 123-143): APPDIAPPLL[Ile133Asn]KLVEAIEKKG